The following is an entry in ClinVar:

ClinVar aggregate classification (germline): Conflicting classifications of pathogenicity. Review status: criteria provided, conflicting classifications (1 of 4 stars). 3 submissions from 3 submitters: Uncertain significance (2); Benign (1). Last evaluated 2025-09-02.

Conditions:
Developmental and epileptic encephalopathy, 66. Also called: EPILEPTIC ENCEPHALOPATHY, EARLY INFANTILE, 66. Identifiers: MedGen C4748070, MONDO:0054845, OMIM 618067.

Allele frequency attached by ClinVar (database versions not stated): gnomAD 0.00001; gnomAD exomes 0.00001 and 0.00002; TOPMed 0.00001; ESP Exome Variant Server 0.00008.
gnomAD v4.1: 20 of 1,609,294 alleles (0.0012%); highest among the groups gnomAD compares: African/African-American, 0.004%; no homozygotes.

Submissions (3):

Labcorp Genetics (formerly Invitae), Labcorp
Classification: Benign. Last evaluated: 2025-09-02. Review status: criteria provided, single submitter. Criteria: Invitae Variant Classification Sherloc (09022015). Collection method: clinical testing. Allele origin: germline.

Neuberg Centre For Genomic Medicine, NCGM
Classification: Uncertain significance for Developmental and epileptic encephalopathy, 66. Last evaluated: 2023-06-22. Review status: criteria provided, single submitter. Criteria: ACMG Guidelines, 2015. Collection method: clinical testing. Allele origin: germline. Inheritance: Autosomal dominant inheritance. Affected: yes.
Comment: The missense c.2272G>A (p.Glu758Lys) variant in the PACS2 gene has not been reported previously as a pathogenic variant nor as a benign variant, to our knowledge. This variant is reported with the allele frequency 0.001% in the gnomAD Exomes. This variant has been reported to the ClinVar database as Uncertain Significance. However, no details are available for independent assessment. The amino acid Glutamic acid at position 758 is changed to a Lysine changing protein sequence and it might alter its composition and physico-chemical properties. Computational evidence (Polyphen - Damaging, SIFT - Tolerated and MutationTaster - Disease causing) predicts conflicting evidence on protein structure and function for this variant. The Glutamic acid residue is conserved by GERP++ and PhyloP across 100 vertebrates. For these reasons, this variant has been classified as Uncertain Significance.

CeGaT Center for Human Genetics Tuebingen
Classification: Uncertain significance. Last evaluated: 2023-05-01. Review status: criteria provided, single submitter. Criteria: CeGaT Center For Human Genetics Tuebingen Variant Classification Criteria Version 2. Collection method: clinical testing. Allele origin: germline. Affected: yes. Observed: 1 variant allele.

NM_001100913.3(PACS2):c.2272G>A (p.Glu758Lys)

Gene: PACS2 (phosphofurin acidic cluster sorting protein 2; plus strand). Cytogenetic location: 14q32.33.
Variant type: single nucleotide variant.
Coding change: c.2272G>A on transcript NM_001100913.3 (MANE Select); coding-DNA position 2272, G replaced by A.
Protein change: p.Glu758Lys; replaces glutamic acid 758 with lysine.
Molecular consequence: missense variant.
Genome position (GRCh38, 1-based): chr14:105,392,635, G>A. VCF-style: chr14-105392635-G-A. GRCh37 (hg19) VCF-style: chr14-105858972-G-A.
Other names: c.2002G>A, p.Glu668Lys (NM_001243127.3); c.2227G>A, p.Glu743Lys (NM_015197.4); short protein forms E668K, E743K, E758K.
Identifiers: ClinVar variation 1364592 (VCV001364592.34), dbSNP rs140331410, ClinGen allele CA7389239.